The following is an entry in ClinVar:

ClinVar aggregate classification (germline): Uncertain significance (1 of 4 stars; one submission).

Submission:

Labcorp Genetics (formerly Invitae), Labcorp
Classification: Uncertain significance. Last evaluated: 2025-07-24. Review status: criteria provided, single submitter. Criteria: Invitae Variant Classification Sherloc (09022015). Collection method: clinical testing. Allele origin: germline.
Comment: This sequence change replaces lysine, which is basic and polar, with arginine, which is basic and polar, at codon 943 of the TAF1 protein (p.Lys943Arg). This variant is not present in population databases (gnomAD no frequency). This variant has not been reported in the literature in individuals affected with TAF1-related conditions. Invitae Evidence Modeling of protein sequence and biophysical properties (such as structural, functional, and spatial information, amino acid conservation, physicochemical variation, residue mobility, and thermodynamic stability) indicates that this missense variant is not expected to disrupt TAF1 protein function with a negative predictive value of 80%. In summary, the available evidence is currently insufficient to determine the role of this variant in disease. Therefore, it has been classified as a Variant of Uncertain Significance.

NM_004606.5(TAF1):c.2768A>G (p.Lys923Arg)

Gene: TAF1 (TATA-box binding protein associated factor 1; plus strand). Cytogenetic location: Xq13.1.
Variant type: single nucleotide variant.
Coding change: c.2768A>G on transcript NM_004606.5 (MANE Select); coding-DNA position 2768, A replaced by G.
Protein change: p.Lys923Arg; replaces lysine 923 with arginine.
Molecular consequence: missense variant. On other transcripts: non-coding transcript variant (9).
Genome position (GRCh38, 1-based): chrX:71,389,652, A>G. VCF-style: chrX-71389652-A-G. GRCh37 (hg19) VCF-style: chrX-70609502-A-G.
Other names: c.2768A>G, p.Lys923Arg (NM_001286074.2, NM_001440852.1, NM_001440853.1); c.2705A>G, p.Lys902Arg (NM_001440854.1, NM_138923.4); short protein forms K902R, K923R.
Identifiers: ClinVar variation 4706713 (VCV004706713.1).